The following is an entry in ClinVar:

NM_004525.3(LRP2):c.5957T>C (p.Val1986Ala)

Gene: LRP2 (LDL receptor related protein 2; minus strand). Cytogenetic location: 2q31.1.
Variant type: single nucleotide variant.
Coding change: c.5957T>C on transcript NM_004525.3 (MANE Select); coding-DNA position 5957, T replaced by C.
Protein change: p.Val1986Ala; replaces valine 1986 with alanine.
Molecular consequence: missense variant.
Genome position (GRCh38, 1-based): chr2:169,213,740, A>G on the plus strand (T>C on the coding strand, the complement: LRP2 is on the minus strand). VCF-style: chr2-169213740-A-G. GRCh37 (hg19) VCF-style: chr2-170070250-A-G.
Other names: short protein forms V1986A.
Identifiers: ClinVar variation 2115515 (VCV002115515.4), dbSNP rs1688679414, ClinGen allele CA349133696.

ClinVar aggregate classification (germline): Uncertain significance (1 of 4 stars; one submission).

Allele frequency attached by ClinVar (database versions not stated): TOPMed below 0.00001.

Submission:

Labcorp Genetics (formerly Invitae), Labcorp
Classification: Uncertain significance. Last evaluated: 2023-10-03. Review status: criteria provided, single submitter. Criteria: Invitae Variant Classification Sherloc (09022015). Collection method: clinical testing. Allele origin: germline.
Comment: This sequence change replaces valine, which is neutral and non-polar, with alanine, which is neutral and non-polar, at codon 1986 of the LRP2 protein (p.Val1986Ala). This variant is not present in population databases (gnomAD no frequency). This variant has not been reported in the literature in individuals affected with LRP2-related conditions. ClinVar contains an entry for this variant (Variation ID: 2115515). Advanced modeling of protein sequence and biophysical properties (such as structural, functional, and spatial information, amino acid conservation, physicochemical variation, residue mobility, and thermodynamic stability) performed at Invitae indicates that this missense variant is not expected to disrupt LRP2 protein function. In summary, the available evidence is currently insufficient to determine the role of this variant in disease. Therefore, it has been classified as a Variant of Uncertain Significance.